The following is an entry in ClinVar:

ClinVar aggregate classification (germline): Uncertain significance (1 of 4 stars; one submission).

Conditions:
Cardiovascular phenotype. Identifiers: MedGen CN230736.

Submission:

Ambry Genetics
Classification: Uncertain significance for Cardiovascular phenotype. Last evaluated: 2023-07-05. Review status: criteria provided, single submitter. Criteria: Ambry Variant Classification Scheme 2023. Collection method: clinical testing. Allele origin: germline.
Comment: The p.T759P variant (also known as c.2275A>C), located in coding exon 6 of the ALPK3 gene, results from an A to C substitution at nucleotide position 2275. The threonine at codon 759 is replaced by proline, an amino acid with highly similar properties. This amino acid position is conserved. In addition, this alteration is predicted to be tolerated by in silico analysis. Since supporting evidence is limited at this time, the clinical significance of this alteration remains unclear.

NM_020778.5(ALPK3):c.1669A>C (p.Thr557Pro)

Gene: ALPK3 (alpha kinase 3; plus strand). Cytogenetic location: 15q25.3.
Variant type: single nucleotide variant.
Coding change: c.1669A>C on transcript NM_020778.5 (MANE Select); coding-DNA position 1669, A replaced by C.
Protein change: p.Thr557Pro; replaces threonine 557 with proline.
Molecular consequence: missense variant.
Genome position (GRCh38, 1-based): chr15:84,856,407, A>C. VCF-style: chr15-84856407-A-C. GRCh37 (hg19) VCF-style: chr15-85399638-A-C.
Other names: short protein forms T557P.
Identifiers: ClinVar variation 2625914 (VCV002625914.2), dbSNP rs1963860557, ClinGen allele CA393354204.